The following is an entry in ClinVar:

NM_032444.4(SLX4):c.4261A>T (p.Ile1421Phe)

Gene: SLX4 (SLX4 structure-specific endonuclease subunit; minus strand). Cytogenetic location: 16p13.3.
Variant type: single nucleotide variant.
Coding change: c.4261A>T on transcript NM_032444.4 (MANE Select); coding-DNA position 4261, A replaced by T.
Protein change: p.Ile1421Phe; replaces isoleucine 1421 with phenylalanine.
Molecular consequence: missense variant.
Genome position (GRCh38, 1-based): chr16:3,589,377, T>A on the plus strand (A>T on the coding strand, the complement: SLX4 is on the minus strand). VCF-style: chr16-3589377-T-A. GRCh37 (hg19) VCF-style: chr16-3639378-T-A.
Other names: p.Ile1421Phe; c.4261A>T (LRG_503t1); short protein forms I1421F.
Identifiers: ClinVar variation 407931 (VCV000407931.60), dbSNP rs141567438, ClinGen allele CA7865700.

ClinVar aggregate classification (germline): Conflicting classifications of pathogenicity. Review status: criteria provided, conflicting classifications (1 of 4 stars). 10 submissions from 10 submitters: Uncertain significance (6); Likely benign (3). 1 of the submissions does not count toward it. Last evaluated 2026-01-11.

Conditions:
Fanconi anemia complementation group P. Also called: SLX4-Related Fanconi Anemia. Identifiers: Orphanet 84, MedGen C3469542, MONDO:0013499, OMIM 613951.
Fanconi anemia (FA). Also called: Fanconi's anemia. Identifiers: Orphanet 84, MedGen C0015625, MeSH D005199, MONDO:0019391.

Allele frequency attached by ClinVar (database versions not stated): TOPMed 0.00058; ESP Exome Variant Server 0.00063; gnomAD 0.00063 and 0.00069; 1000 Genomes Project 0.00020; 1000 Genomes Project 30x 0.00047.
gnomAD v4.1: 1,507 of 1,590,344 alleles (0.095%); highest among the groups gnomAD compares: Non-Finnish European, 0.12%; 2 homozygotes.

Submissions (10):

Labcorp Genetics (formerly Invitae), Labcorp
Classification: Likely benign for Fanconi anemia. Last evaluated: 2026-01-11. Review status: criteria provided, single submitter. Criteria: Invitae Variant Classification Sherloc (09022015). Collection method: clinical testing. Allele origin: germline.

Mayo Clinic Laboratories, Mayo Clinic
Classification: Likely benign. Last evaluated: 2025-09-15. Review status: criteria provided, single submitter. Criteria: ACMG Guidelines, 2015. Collection method: clinical testing. Allele origin: germline. Observed: 1 variant allele.
Comment: BS1, BP4_moderate

ARUP Laboratories, Molecular Genetics and Genomics, ARUP Laboratories
Classification: Likely benign for Fanconi anemia complementation group P. Last evaluated: 2024-12-20. Review status: criteria provided, single submitter. Criteria: ARUP Molecular Germline Variant Investigation Process 2024. Collection method: clinical testing. Allele origin: germline.

Blueprint Genetics
Classification: Uncertain significance. Last evaluated: 2024-10-15. Review status: criteria provided, single submitter. Criteria: ACMG Guidelines, 2015. Collection method: clinical testing. Allele origin: germline.

Institute for Clinical Genetics, University Hospital TU Dresden, University Hospital TU Dresden
Classification: Uncertain significance. Last evaluated: 2021-11-03. Review status: criteria provided, single submitter. Criteria: ACMG Guidelines, 2015. Collection method: clinical testing. Allele origin: germline.

Sema4
Classification: Uncertain significance for Fanconi anemia. Last evaluated: 2021-04-22. Review status: criteria provided, single submitter. Criteria: Sema4 Curation Guidelines. Collection method: curation. Allele origin: germline.
Comment: The SLX4 c.4261A>T (p.I1421F) variant has been reported in several indivdiuals with breast, ovarian, or head/neck cancer (PMID: 23840564, 22911665, 22401137, 32546565, 28678401). It was observed in 131/123742 chromosomes of the Non-Finnish European subpopulation, with 0 homozygotes, in the large and broad cohorts of the Genome Aggregation Database. The variant has been reported in ClinVar (Variation ID 407931). In silico tools suggest the impact of the variant on protein function is benign, though these predictions have not been confirmed by functional studies. The evidence is insufficient to meet ACMG/AMP criteria for classifying the variant as benign or pathogenic. Thus, the clinical significance of this variant is currently uncertain.

Genetic Services Laboratory, University of Chicago
Classification: Uncertain significance. Last evaluated: 2018-08-02. Review status: criteria provided, single submitter. Criteria: ACMG Guidelines, 2015. Collection method: clinical testing. Allele origin: germline. Affected: no.

Baylor Genetics
Classification: Uncertain significance for Fanconi anemia complementation group P. Last evaluated: 2018-07-03. Review status: criteria provided, single submitter. Criteria: ACMG Guidelines, 2015. Collection method: clinical testing. Allele origin: paternal. Affected: yes.
Comment: This variant was determined to be of uncertain significance according to ACMG Guidelines, 2015 [PMID:25741868].

CeGaT Center for Human Genetics Tuebingen
Classification: Uncertain significance. Last evaluated: 2016-04-01. Review status: criteria provided, single submitter. Criteria: CeGaT Center For Human Genetics Tuebingen Variant Classification Criteria Version 2. Collection method: clinical testing. Allele origin: germline. Affected: yes. Observed: 1 variant allele.

Leiden Open Variation Database
Classification: Likely benign. Last evaluated: 2012-08-31. Review status: no assertion criteria provided. Collection method: curation. Allele origin: germline. Affected: yes. Not counted in ClinVar's aggregate classification.
Comment: Curator: Arleen D. Auerbach. Submitter to LOVD: Janine Bakker.

Literature cited by the submitters: PubMed 23840564 (cited by Sema4); PubMed 22911665 (cited by Sema4 and Leiden Open Variation Database); PubMed 22401137 (cited by Sema4); PubMed 32546565 (cited by Sema4); PubMed 28678401 (cited by Sema4).